The following is an entry in ClinVar:

ClinVar aggregate classification (germline): Uncertain significance. Review status: criteria provided, multiple submitters, no conflicts (2 of 4 stars). 2 submissions from 2 submitters: Uncertain significance (2). Last evaluated 2025-11-30.

Submissions (2):

Labcorp Genetics (formerly Invitae), Labcorp
Classification: Uncertain significance. Last evaluated: 2025-11-30. Review status: criteria provided, single submitter. Criteria: Invitae Variant Classification Sherloc (09022015). Collection method: clinical testing. Allele origin: germline.
Comment: This sequence change replaces proline, which is neutral and non-polar, with histidine, which is basic and polar, at codon 816 of the COL11A2 protein (p.Pro816His). This variant is not present in population databases (gnomAD no frequency). This missense change has been observed in individual(s) with COL11A2-related conditions (PMID: 26566670). Invitae Evidence Modeling of protein sequence and biophysical properties (such as structural, functional, and spatial information, amino acid conservation, physicochemical variation, residue mobility, and thermodynamic stability) indicates that this missense variant is not expected to disrupt COL11A2 protein function with a negative predictive value of 95%. In summary, the available evidence is currently insufficient to determine the role of this variant in disease. Therefore, it has been classified as a Variant of Uncertain Significance.

Blueprint Genetics
Classification: Uncertain significance. Last evaluated: 2022-05-08. Review status: criteria provided, single submitter. Criteria: ACMG Guidelines, 2015. Collection method: clinical testing. Allele origin: germline.

Literature cited by the submitters: PubMed 26566670 (cited by Labcorp Genetics (formerly Invitae), Labcorp).

NM_080680.3(COL11A2):c.2447C>A (p.Pro816His)

Gene: COL11A2 (collagen type XI alpha 2 chain; minus strand). Cytogenetic location: 6p21.32.
Variant type: single nucleotide variant.
Coding change: c.2447C>A on transcript NM_080680.3 (MANE Select); coding-DNA position 2447, C replaced by A.
Protein change: p.Pro816His; replaces proline 816 with histidine.
Molecular consequence: missense variant.
Genome position (GRCh38, 1-based): chr6:33,174,202, G>T on the plus strand (C>A on the coding strand, the complement: COL11A2 is on the minus strand). VCF-style: chr6-33174202-G-T. GRCh37 (hg19) VCF-style: chr6-33141979-G-T.
Other names: c.2267C>A, p.Pro756His (NM_001424108.1); c.1601C>A, p.Pro534His (NM_001424109.1); c.1421C>A, p.Pro474His (NM_001424110.1, NM_001424111.1); c.401C>A, p.Pro134His (NM_001424112.1); c.2126C>A, p.Pro709His (NM_080679.3); c.2189C>A, p.Pro730His (NM_080681.3); short protein forms P134H, P474H, P534H, P709H, P730H, P756H, P816H.
Identifiers: ClinVar variation 4811509 (VCV004811509.2).